The following is an entry in ClinVar:

NM_176824.3(BBS7):c.1002del (p.Asn335fs)

Gene: BBS7 (Bardet-Biedl syndrome 7; minus strand). Cytogenetic location: 4q27.
Variant type: Deletion.
Coding change: c.1002del on transcript NM_176824.3 (MANE Select); coding-DNA position 1002, one base deleted (T; older notation c.1002delT).
Protein change: p.Asn335fs; shifts the reading frame from asparagine 335.
Molecular consequence: frameshift variant.
Genome position (GRCh38, 1-based): chr4:121,847,439, A deleted on the plus strand (T on the coding strand, the reverse complement: BBS7 is on the minus strand); the first of 2 consecutive A bases (chr4:121,847,439-121,847,440); deleting either gives the same sequence. VCF-style (leftmost placement, unchanged base first): chr4-121847438-TA-T. GRCh37 (hg19) VCF-style: chr4-122768593-TA-T.
Other names: c.1002del, p.Asn335fs (NM_018190.4); c.1002delT (NM_176824.2); short protein forms N335fs.
Identifiers: ClinVar variation 866308 (VCV000866308.14), dbSNP rs762782183, ClinGen allele CA3064348.

ClinVar aggregate classification (germline): Pathogenic. Review status: criteria provided, multiple submitters, no conflicts (2 of 4 stars). 5 submissions from 5 submitters: Pathogenic (5). Last evaluated 2025-09-04.

Conditions:
Bardet-Biedl syndrome 7 (BBS7). Identifiers: Orphanet 110, MedGen C1859565, MONDO:0014435, OMIM 615984.
Bardet-Biedl syndrome (BBS). Identifiers: Orphanet 110, MedGen C0752166, MONDO:0015229.
BBS7-related disorder. Also called: BBS7-related condition.

Submissions (5):

Labcorp Genetics (formerly Invitae), Labcorp
Classification: Pathogenic for Bardet-Biedl syndrome. Last evaluated: 2025-09-04. Review status: criteria provided, single submitter. Criteria: Invitae Variant Classification Sherloc (09022015). Collection method: clinical testing. Allele origin: germline.
Comment: This sequence change creates a premature translational stop signal (p.Asn335Ilefs*47) in the BBS7 gene. It is expected to result in an absent or disrupted protein product. Loss-of-function variants in BBS7 are known to be pathogenic (PMID: 12567324, 19402160, 21209035, 31196119). This variant is present in population databases (rs762782183, gnomAD 0.02%). This premature translational stop signal has been observed in individual(s) with Bardet-Biedl syndrome (PMID: 32448990, 33777945). ClinVar contains an entry for this variant (Variation ID: 866308). For these reasons, this variant has been classified as Pathogenic.

Fulgent Genetics
Classification: Pathogenic for Bardet-Biedl syndrome 7. Last evaluated: 2024-06-17. Review status: criteria provided, single submitter. Criteria: ACMG Guidelines, 2015. Collection method: clinical testing. Allele origin: germline.

Blueprint Genetics
Classification: Pathogenic for BBS7-related disorders. Last evaluated: 2023-09-15. Review status: criteria provided, single submitter. Criteria: ACMG Guidelines, 2015. Collection method: clinical testing. Allele origin: germline. Affected: yes. Observed: 3 variant alleles.

Victorian Clinical Genetics Services, Murdoch Childrens Research Institute
Classification: Pathogenic for Bardet-Biedl syndrome 7. Last evaluated: 2021-05-06. Review status: criteria provided, single submitter. Criteria: ACMG Guidelines, 2015. Collection method: clinical testing. Allele origin: germline. Affected: yes.
Comment: Based on the classification scheme VCGS_Germline_v1.1.1, this variant is classified as Pathogenic. Following criteria are met: 0102 - Loss-of-function is a known mechanism of disease for this gene. (N) 0106 - This gene is known to be associated with autosomal recessive disease. (N) 0201 - Variant is located in exon 10 of 19 and is predicted to cause nonsense-mediated decay (NMD) and loss of protein. (P) 0251 - Variant is heterozygous. (N) 0304 - Variant is present in gnomAD (v2) <0.01 for a recessive condition (4 heterozygotes, 0 homozygotes). (P) 0702 - Comparable variants have strong previous evidence for pathogenicity. Other NMD-predicted variants have previously been reported as pathogenic (ClinVar). (P) 0803 - Low previous evidence of pathogenicity in unrelated individuals. The variant has previously been described as pathogenic in at least two patients with retinal dystrophy and BBS (ClinVar, PMID: 23462753). (P) 1007 - No published functional evidence has been identified for this variant. (N) 1102 - Strong phenotype match. (N) Legend: (P) - Pathogenic, (N) - Neutral, (B) - Benign

Juno Genomics, Hangzhou Juno Genomics, Inc
Classification: Pathogenic for Bardet-Biedl syndrome 7. Review status: criteria provided, single submitter. Criteria: ACMG Guidelines, 2015. Collection method: clinical testing. Allele origin: germline. Affected: yes.
Comment: Absent from controls (or at extremely low frequency if recessive) in Genome Aggregation Database, Exome Sequencing Project, 1000 Genomes Project, or Exome Aggregation Consortium.;Null variant in a gene where loss of function (LOF) is a known mechanism of disease.;For recessive disorders, detected in trans with a pathogenic variant.;Patient's phenotype or family history is highly specific for a disease with a single genetic etiology.

Literature cited by the submitters: PubMed 12567324 (cited by Labcorp Genetics (formerly Invitae), Labcorp); PubMed 19402160 (cited by Labcorp Genetics (formerly Invitae), Labcorp); PubMed 21209035 (cited by Labcorp Genetics (formerly Invitae), Labcorp); PubMed 31196119 (cited by Labcorp Genetics (formerly Invitae), Labcorp); PubMed 32448990 (cited by Labcorp Genetics (formerly Invitae), Labcorp); PubMed 33777945 (cited by Labcorp Genetics (formerly Invitae), Labcorp); PubMed 23462753 (cited by Victorian Clinical Genetics Services, Murdoch Childrens Research Institute).